The following is an entry in ClinVar:

ClinVar aggregate classification (germline): Uncertain significance (1 of 4 stars; one submission).

Submission:

Ambry Genetics
Classification: Uncertain significance. Last evaluated: 2025-09-06. Review status: criteria provided, single submitter. Criteria: Ambry Variant Classification Scheme 2023. Collection method: clinical testing. Allele origin: germline.
Comment: The p.S454T variant (also known as c.1360T>A), located in coding exon 8 of the ATRIP gene, results from a T to A substitution at nucleotide position 1360. The serine at codon 454 is replaced by threonine, an amino acid with similar properties. This amino acid position is conserved. In addition, this alteration is predicted to be tolerated by in silico analysis. Based on the available evidence, the clinical significance of this variant remains unclear.

NM_130384.3(ATRIP):c.1360T>A (p.Ser454Thr)

Genes: ATRIP (ATR interacting protein; plus strand), ATRIP-TREX1 (ATRIP-TREX1 readthrough; plus strand). Cytogenetic location: 3p21.31.
Variant type: single nucleotide variant.
Coding change: c.1360T>A on transcript NM_130384.3 (MANE Select); coding-DNA position 1360, T replaced by A.
Protein change: p.Ser454Thr; replaces serine 454 with threonine.
Molecular consequence: missense variant. On other transcripts: non-coding transcript variant (1).
Genome position (GRCh38, 1-based): chr3:48,460,414, T>A. VCF-style: chr3-48460414-T-A. GRCh37 (hg19) VCF-style: chr3-48501813-T-A.
Other names: c.979T>A, p.Ser327Thr (NM_001271022.2); c.1081T>A, p.Ser361Thr (NM_001271023.2); c.1360T>A, p.Ser454Thr (NM_032166.4); short protein forms S454T, S327T, S361T.
Identifiers: ClinVar variation 4182764 (VCV004182764.1).